The following is an entry in ClinVar:

NM_017617.5(NOTCH1):c.760T>C (p.Cys254Arg)

Gene: NOTCH1 (notch receptor 1; minus strand). Cytogenetic location: 9q34.3.
Variant type: single nucleotide variant.
Coding change: c.760T>C on transcript NM_017617.5 (MANE Select); coding-DNA position 760, T replaced by C.
Protein change: p.Cys254Arg; replaces cysteine 254 with arginine.
Molecular consequence: missense variant.
Genome position (GRCh38, 1-based): chr9:136,519,548, A>G on the plus strand (T>C on the coding strand, the complement: NOTCH1 is on the minus strand). VCF-style: chr9-136519548-A-G. GRCh37 (hg19) VCF-style: chr9-139414000-A-G.
Other names: short protein forms C254R.
Identifiers: ClinVar variation 2130225 (VCV002130225.4), dbSNP rs2540463772, ClinGen allele CA375566839.

ClinVar aggregate classification (germline): Uncertain significance (1 of 4 stars; one submission).

Conditions:
Adams-Oliver syndrome 5 (AOS5). Identifiers: Orphanet 974, MedGen C4014970, MONDO:0014459, OMIM 616028.

Submission:

Labcorp Genetics (formerly Invitae), Labcorp
Classification: Uncertain significance for Adams-Oliver syndrome 5. Last evaluated: 2022-05-25. Review status: criteria provided, single submitter. Criteria: Invitae Variant Classification Sherloc (09022015). Collection method: clinical testing. Allele origin: germline.
Comment: This variant has not been reported in the literature in individuals affected with NOTCH1-related conditions. In summary, the available evidence is currently insufficient to determine the role of this variant in disease. Therefore, it has been classified as a Variant of Uncertain Significance. Advanced modeling of protein sequence and biophysical properties (such as structural, functional, and spatial information, amino acid conservation, physicochemical variation, residue mobility, and thermodynamic stability) performed at Invitae indicates that this missense variant is expected to disrupt NOTCH1 protein function. This variant is not present in population databases (gnomAD no frequency). This sequence change replaces cysteine, which is neutral and slightly polar, with arginine, which is basic and polar, at codon 254 of the NOTCH1 protein (p.Cys254Arg).